The following is an entry in ClinVar:

ClinVar aggregate classification (germline): Uncertain significance (1 of 4 stars; one submission).

Conditions:
Sclerosteosis 2 (SOST2). Identifiers: Orphanet 3152, MedGen C3280402, MONDO:0013679, OMIM 614305.
Congenital myasthenic syndrome 17. Identifiers: Orphanet 590, MedGen C4225377, MONDO:0014578, OMIM 616304.
Cenani-Lenz syndactyly syndrome. Also called: SYNDACTYLY, TYPE VII; CENANI SYNDACTYLISM. Identifiers: Orphanet 3258, MedGen C1859309, MONDO:0008931, OMIM 212780.

gnomAD v4.1: 6 of 1,614,242 alleles (0.00037%); highest among the groups gnomAD compares: Non-Finnish European, 0.00051%; no homozygotes.

Submission:

Labcorp Genetics (formerly Invitae), Labcorp
Classification: Uncertain significance for Cenani-Lenz syndactyly syndrome; Sclerosteosis 2; Congenital myasthenic syndrome 17. Last evaluated: 2022-07-03. Review status: criteria provided, single submitter. Criteria: Invitae Variant Classification Sherloc (09022015). Collection method: clinical testing. Allele origin: germline.
Comment: In summary, the available evidence is currently insufficient to determine the role of this variant in disease. Therefore, it has been classified as a Variant of Uncertain Significance. Algorithms developed to predict the effect of missense changes on protein structure and function are either unavailable or do not agree on the potential impact of this missense change (SIFT: "Deleterious"; PolyPhen-2: "Benign"; Align-GVGD: "Class C35"). This variant has not been reported in the literature in individuals affected with LRP4-related conditions. This variant is not present in population databases (gnomAD no frequency). This sequence change replaces proline, which is neutral and non-polar, with threonine, which is neutral and polar, at codon 1023 of the LRP4 protein (p.Pro1023Thr).

NM_002334.4(LRP4):c.3067C>A (p.Pro1023Thr)

Gene: LRP4 (LDL receptor related protein 4; minus strand). Cytogenetic location: 11p11.2.
Variant type: single nucleotide variant.
Coding change: c.3067C>A on transcript NM_002334.4 (MANE Select); coding-DNA position 3067, C replaced by A.
Protein change: p.Pro1023Thr; replaces proline 1023 with threonine.
Molecular consequence: missense variant.
Genome position (GRCh38, 1-based): chr11:46,878,976, G>T on the plus strand (C>A on the coding strand, the complement: LRP4 is on the minus strand). VCF-style: chr11-46878976-G-T. GRCh37 (hg19) VCF-style: chr11-46900527-G-T.
Other names: short protein forms P1023T.
Identifiers: ClinVar variation 2064777 (VCV002064777.4), dbSNP rs201695857, ClinGen allele CA221630574.
Genomic context (GRCh38, chr11:46,878,976, plus strand): 5'-AGGTCTTGCCATCAGACAGCAGGTTGATGCCTGTGGGGCAGGTACAGCTGAATCCGCTTG[G>T]ATTTGGGGACCTAAGACACAGGTGGCTACAGCCGCCATTCTCCATAGCACATGGTGTAGA-3'
Protein context (NP_002325.2, residues 1013-1033): CSHLCLRSPN[Pro1023Thr]SGFSCTCPTG